The following is an entry in ClinVar:

NM_005045.4(RELN):c.6464C>A (p.Ser2155Ter)

Gene: RELN (reelin; minus strand). Cytogenetic location: 7q22.1.
Variant type: single nucleotide variant.
Coding change: c.6464C>A on transcript NM_005045.4 (MANE Select); coding-DNA position 6464, C replaced by A.
Protein change: p.Ser2155Ter; replaces serine 2155 with a stop codon.
Molecular consequence: nonsense.
Genome position (GRCh38, 1-based): chr7:103,545,183, G>T on the plus strand (C>A on the coding strand, the complement: RELN is on the minus strand). VCF-style: chr7-103545183-G-T. GRCh37 (hg19) VCF-style: chr7-103185630-G-T.
Other names: c.6464C>A, p.Ser2155Ter (NM_173054.3); short protein forms S2155*.
Identifiers: ClinVar variation 3754962 (VCV003754962.2).

ClinVar aggregate classification (germline): Pathogenic (1 of 4 stars; one submission).

Conditions:
Norman-Roberts syndrome (LIS2). Also called: Lissencephaly 2 (Norman-Roberts type). Identifiers: Orphanet 89844, MedGen C0796089, MONDO:0009760, OMIM 257320.
Familial temporal lobe epilepsy 7. Identifiers: Orphanet 101046, MedGen C4225327, MONDO:0014639, OMIM 616436.

Submission:

Labcorp Genetics (formerly Invitae), Labcorp
Classification: Pathogenic for Familial temporal lobe epilepsy 7; Norman-Roberts syndrome. Last evaluated: 2024-03-03. Review status: criteria provided, single submitter. Criteria: Invitae Variant Classification Sherloc (09022015). Collection method: clinical testing. Allele origin: germline.
Comment: This sequence change creates a premature translational stop signal (p.Ser2155*) in the RELN gene. It is expected to result in an absent or disrupted protein product. Loss-of-function variants in RELN are known to be pathogenic (PMID: 10973257, 26046367, 28454995). This variant is not present in population databases (gnomAD no frequency). This variant has not been reported in the literature in individuals affected with RELN-related conditions. For these reasons, this variant has been classified as Pathogenic.

Literature cited by the submitters: PubMed 10973257; PubMed 26046367; PubMed 28454995.